The following is an entry in ClinVar:

NM_004958.4(MTOR):c.831G>T (p.Met277Ile)

Gene: MTOR (mechanistic target of rapamycin kinase; minus strand). Cytogenetic location: 1p36.22.
Variant type: single nucleotide variant.
Coding change: c.831G>T on transcript NM_004958.4 (MANE Select); coding-DNA position 831, G replaced by T.
Protein change: p.Met277Ile; replaces methionine 277 with isoleucine.
Molecular consequence: missense variant.
Genome position (GRCh38, 1-based): chr1:11,253,848, C>A on the plus strand (G>T on the coding strand, the complement: MTOR is on the minus strand). VCF-style: chr1-11253848-C-A. GRCh37 (hg19) VCF-style: chr1-11313905-C-A.
Other names: c.831G>T (LRG_734t1); short protein forms M277I.
Identifiers: ClinVar variation 240082 (VCV000240082.16), dbSNP rs752049917, ClinGen allele CA590877.

ClinVar aggregate classification (germline): Benign/Likely benign. Review status: criteria provided, multiple submitters, no conflicts (2 of 4 stars). 4 submissions from 4 submitters: Benign (1); Likely benign (2). 1 of the submissions does not count toward it. Last evaluated 2026-06-01.

Conditions:
MTOR-related disorder. Also called: MTOR-related condition.

Allele frequency attached by ClinVar (database versions not stated): gnomAD 0.00003 and 0.00004; TOPMed 0.00013; ExAC 0.00024; gnomAD exomes 0.00028.
gnomAD v4.1: 90 of 1,614,050 alleles (0.0056%); highest among the groups gnomAD compares: Admixed American, 0.15%; no homozygotes.

Submissions (4):

CeGaT Center for Human Genetics Tuebingen
Classification: Likely benign. Last evaluated: 2026-06-01. Review status: criteria provided, single submitter. Criteria: CeGaT Center For Human Genetics Tuebingen Variant Classification Criteria Version 2. Collection method: clinical testing. Allele origin: germline. Affected: yes. Observed: 1 variant allele.
Comment: MTOR: BS1

Labcorp Genetics (formerly Invitae), Labcorp
Classification: Likely benign. Last evaluated: 2026-01-28. Review status: criteria provided, single submitter. Criteria: Invitae Variant Classification Sherloc (09022015). Collection method: clinical testing. Allele origin: germline.

GeneDx
Classification: Benign. Last evaluated: 2020-08-03. Review status: criteria provided, single submitter. Criteria: GeneDx Variant Classification Process June 2021. Collection method: clinical testing. Allele origin: germline. Affected: yes.

PreventionGenetics, part of Exact Sciences
Classification: Likely benign for MTOR-related condition. Last evaluated: 2022-03-24. Review status: no assertion criteria provided. Collection method: clinical testing. Allele origin: germline. Not counted in ClinVar's aggregate classification.
Comment: This variant is classified as likely benign based on ACMG/AMP sequence variant interpretation guidelines (Richards et al. 2015 PMID: 25741868, with internal and published modifications).